The following is an entry in ClinVar:

NC_000001.10:g.(?_237893550)_(237995957_?)dup

Genes: RYR2 (ryanodine receptor 2; plus strand), LOC126806068 (BRD4-independent group 4 enhancer GRCh37_chr1:237947411-237948610; plus strand). Cytogenetic location: 1q43.
Variant type: Duplication.
Identifiers: ClinVar variation 649633 (VCV000649633.3).

ClinVar aggregate classification (germline): Uncertain significance (1 of 4 stars; one submission).

Conditions:
Catecholaminergic polymorphic ventricular tachycardia (CVPT). Also called: Catecholamine-induced polymorphic ventricular tachycardia. Identifiers: Orphanet 3286, MedGen C5574922, MONDO:0017990.

Submission:

Labcorp Genetics (formerly Invitae), Labcorp
Classification: Uncertain significance for Catecholaminergic polymorphic ventricular tachycardia. Last evaluated: 2018-10-31. Review status: criteria provided, single submitter. Criteria: Invitae Variant Classification Sherloc (09022015). Collection method: clinical testing. Allele origin: germline.
Comment: This variant results in a copy number gain of the genomic region encompassing exons 77-105 of the RYR2 gene. The 5' boundary is likely confined to intron 76. The 3' end of this event is unknown as it extends beyond the assayed region for this gene and therefore may encompass additional genes. As the precise location of this event is unknown, it may be in tandem or it may be located elsewhere in the genome. This variant has not been reported in the literature in individuals with RYR2-related disease. In summary, the available evidence is currently insufficient to determine the role of this variant in disease. Therefore, it has been classified as a Variant of Uncertain Significance.